The following is an entry in ClinVar:

NM_015662.3(IFT172):c.3728G>T (p.Ser1243Ile)

Genes: IFT172 (intraflagellar transport 172; minus strand), LOC126806173 (BRD4-independent group 4 enhancer GRCh37_chr2:27676057-27677256; plus strand). Cytogenetic location: 2p23.3.
Variant type: single nucleotide variant.
Coding change: c.3728G>T on transcript NM_015662.3 (MANE Select); coding-DNA position 3728, G replaced by T.
Protein change: p.Ser1243Ile; replaces serine 1243 with isoleucine.
Molecular consequence: missense variant.
Genome position (GRCh38, 1-based): chr2:27,453,723, C>A on the plus strand (G>T on the coding strand, the complement: IFT172 is on the minus strand). VCF-style: chr2-27453723-C-A. GRCh37 (hg19) VCF-style: chr2-27676590-C-A.
Other names: c.3728G>T (NM_015662.2); short protein forms S1243I.
Identifiers: ClinVar variation 1005045 (VCV001005045.12), dbSNP rs145507269, ClinGen allele CA1579877.

ClinVar aggregate classification (germline): Uncertain significance. Review status: criteria provided, multiple submitters, no conflicts (2 of 4 stars). 3 submissions from 3 submitters: Uncertain significance (2). 1 of the submissions does not count toward it. Last evaluated 2024-03-17.

Conditions:
IFT172-related disorder. Also called: IFT172-related condition; IFT172-related disorders.
Retinitis pigmentosa 71 (RP71). Identifiers: Orphanet 791, MedGen C4225342, MONDO:0014618, OMIM 616394.
Bardet-Biedl syndrome 20. Identifiers: MedGen C4310707, MONDO:0023670, OMIM 619471, MONDO:0014926.
Short-rib thoracic dysplasia 10 with or without polydactyly (SRTD10). Identifiers: Orphanet 474, MedGen C3810175, MONDO:0014284, OMIM 615630.

Allele frequency attached by ClinVar (database versions not stated): TOPMed 0.00010; ESP Exome Variant Server 0.00008.
gnomAD v4.1: 16 of 1,611,658 alleles (0.00099%); highest among the groups gnomAD compares: Middle Eastern, 0.033%; no homozygotes.

Submissions (3):

Fulgent Genetics
Classification: Uncertain significance for Short-rib thoracic dysplasia 10 with or without polydactyly; Retinitis pigmentosa 71; Bardet-Biedl syndrome 20. Last evaluated: 2024-03-17. Review status: criteria provided, single submitter. Criteria: ACMG Guidelines, 2015. Collection method: clinical testing. Allele origin: germline.

Labcorp Genetics (formerly Invitae), Labcorp
Classification: Uncertain significance for Retinitis pigmentosa 71; Short-rib thoracic dysplasia 10 with or without polydactyly. Last evaluated: 2024-01-17. Review status: criteria provided, single submitter. Criteria: Invitae Variant Classification Sherloc (09022015). Collection method: clinical testing. Allele origin: germline.
Comment: This sequence change replaces serine, which is neutral and polar, with isoleucine, which is neutral and non-polar, at codon 1243 of the IFT172 protein (p.Ser1243Ile). The frequency data for this variant in the population databases is considered unreliable, as metrics indicate poor data quality at this position in the gnomAD database. This variant has not been reported in the literature in individuals affected with IFT172-related conditions. ClinVar contains an entry for this variant (Variation ID: 1005045). Advanced modeling of protein sequence and biophysical properties (such as structural, functional, and spatial information, amino acid conservation, physicochemical variation, residue mobility, and thermodynamic stability) performed at Invitae indicates that this missense variant is not expected to disrupt IFT172 protein function with a negative predictive value of 80%. In summary, the available evidence is currently insufficient to determine the role of this variant in disease. Therefore, it has been classified as a Variant of Uncertain Significance.

PreventionGenetics, part of Exact Sciences
Classification: Uncertain significance for IFT172-related condition. Last evaluated: 2024-02-13. Review status: no assertion criteria provided. Collection method: clinical testing. Allele origin: germline. Not counted in ClinVar's aggregate classification.
Comment: The IFT172 c.3728G>T variant is predicted to result in the amino acid substitution p.Ser1243Ile. To our knowledge, this variant has not been reported in the literature. This variant is reported in 0.020% of alleles in individuals of African descent in gnomAD. At this time, the clinical significance of this variant is uncertain due to the absence of conclusive functional and genetic evidence.